The following is an entry in ClinVar:

NM_015404.4(WHRN):c.2349G>A (p.Val783=)

Gene: WHRN (whirlin; minus strand). Cytogenetic location: 9q32.
Variant type: single nucleotide variant.
Coding change: c.2349G>A on transcript NM_015404.4 (MANE Select); coding-DNA position 2349, G replaced by A.
Protein change: p.Val783=; no amino-acid change (valine 783 retained).
Molecular consequence: synonymous variant.
Genome position (GRCh38, 1-based): chr9:114,403,965, C>T on the plus strand (G>A on the coding strand, the complement: WHRN is on the minus strand). VCF-style: chr9-114403965-C-T. GRCh37 (hg19) VCF-style: chr9-117166245-C-T.
Other names: c.1200G>A, p.Val400= (NM_001083885.3); c.2346G>A, p.Val782= (NM_001173425.2); c.1296G>A, p.Val432= (NM_001346890.1).
Identifiers: ClinVar variation 1299154 (VCV001299154.35), dbSNP rs771368811, ClinGen allele CA5205661.
Genomic context (GRCh38, chr9:114,403,965, plus strand): 5'-GGCCCCATCTGTGGGCCTCTCGTTCCGAGGCAGCTCCTTGCTACTCCTGCTCTTGGTGGA[C>T]ACCGACTGCCTTCCTCGGCCTGGGGCGCTGGCCTCTGCCTCGCCAGCATCCACACCACTG-3'
Protein context (NP_056219.3, residues 773-793): ASAPGRGRQS[Val783=]STKSRSSKEL

ClinVar aggregate classification (germline): Likely benign (1 of 4 stars; one submission).

Allele frequency attached by ClinVar (database versions not stated): gnomAD exomes 0.00001 and 0.00003; TOPMed 0.00001; ExAC 0.00005.
gnomAD v4.1: 16 of 1,611,826 alleles (0.00099%); highest among the groups gnomAD compares: South Asian, 0.0055%; no homozygotes.

Submission:

CeGaT Center for Human Genetics Tuebingen
Classification: Likely benign. Last evaluated: 2025-07-01. Review status: criteria provided, single submitter. Criteria: CeGaT Center For Human Genetics Tuebingen Variant Classification Criteria Version 2. Collection method: clinical testing. Allele origin: germline. Affected: yes. Observed: 2 variant alleles.
Comment: WHRN: BP4, BP7